The following is an entry in ClinVar:

NM_001202.6(BMP4):c.253del (p.Asp85fs)

Gene: BMP4 (bone morphogenetic protein 4; minus strand). Cytogenetic location: 14q22.2.
Variant type: Deletion.
Coding change: c.253del on transcript NM_001202.6 (MANE Select); coding-DNA position 253, one base deleted (G; older notation c.253delG).
Protein change: p.Asp85fs; shifts the reading frame from aspartic acid 85.
Molecular consequence: frameshift variant.
Genome position (GRCh38, 1-based): chr14:53,951,970, C deleted on the plus strand (G on the coding strand, the reverse complement: BMP4 is on the minus strand); the first of 3 consecutive C bases (chr14:53,951,970-53,951,972); deleting any one gives the same sequence. VCF-style (leftmost placement, unchanged base first): chr14-53951969-TC-T. GRCh37 (hg19) VCF-style: chr14-54418687-TC-T.
Other names: c.394del, p.Asp132fs (NM_001347912.1); c.64del, p.Asp22fs (NM_001347913.2, NM_001347915.2, NM_001347917.1); c.253del, p.Asp85fs (NM_001347914.2, NM_001347916.1, NM_130850.5 and 1 more transcripts); short protein forms D132fs, D22fs, D85fs.
Identifiers: ClinVar variation 4291771 (VCV004291771.1).

ClinVar aggregate classification (germline): Likely pathogenic (1 of 4 stars; one submission).

Conditions:
Microphthalmia with brain and digit anomalies (MCOPS6). Also called: MICROPHTHALMIA AND PITUITARY ANOMALIES; Microphthalmia, syndromic 6. Identifiers: Orphanet 139471, MedGen C1864689, MONDO:0011936, OMIM 607932.

Submission:

3billion
Classification: Likely pathogenic for Microphthalmia with brain and digit anomalies. Last evaluated: 2024-12-12. Review status: criteria provided, single submitter. Criteria: ACMG Guidelines, 2015. Collection method: clinical testing. Allele origin: germline. Affected: yes.
Comment: The variant is not observed in the gnomAD v4.1.0 dataset. Predicted Consequence/Location: Frameshift: predicted to result in a loss or disruption of normal protein function through nonsense-mediated decay (NMD) or protein truncation. Multiple pathogenic variants are reported downstream of the variant. Therefore, this variant is classified as Likely pathogenic according to the recommendation of ACMG/AMP guideline.